The following is an entry in ClinVar:

NM_020778.5(ALPK3):c.401G>A (p.Arg134His)

Gene: ALPK3 (alpha kinase 3; plus strand). Cytogenetic location: 15q25.3.
Variant type: single nucleotide variant.
Coding change: c.401G>A on transcript NM_020778.5 (MANE Select); coding-DNA position 401, G replaced by A.
Protein change: p.Arg134His; replaces arginine 134 with histidine.
Molecular consequence: missense variant.
Genome position (GRCh38, 1-based): chr15:84,839,076, G>A. VCF-style: chr15-84839076-G-A. GRCh37 (hg19) VCF-style: chr15-85382307-G-A.
Other names: p.Arg336His; short protein forms R336H, R134H.
Identifiers: ClinVar variation 386361 (VCV000386361.30), dbSNP rs34407151, ClinGen allele CA7708956.

ClinVar aggregate classification (germline): Benign/Likely benign. Review status: criteria provided, multiple submitters, no conflicts (2 of 4 stars). 12 submissions from 12 submitters: Benign (5); Likely benign (4). 3 of the submissions do not count toward it. Last evaluated 2026-02-04.

Conditions:
ALPK3-related disorder. Also called: ALPK3-related condition.
Cardiomyopathy, familial hypertrophic 27. Identifiers: MedGen C4748014, MONDO:0054838, OMIM 618052.
Cardiovascular phenotype. Identifiers: MedGen CN230736.

Allele frequency attached by ClinVar (database versions not stated): 1000 Genomes Project 0.00539; 1000 Genomes Project 30x 0.00593; TOPMed 0.01036; ESP Exome Variant Server 0.01054; gnomAD 0.01060 and 0.01062; gnomAD exomes 0.01093 and 0.01440; ExAC 0.01467.
gnomAD v4.1: 22,573 of 1,609,154 alleles (1.4%); highest among the groups gnomAD compares: Non-Finnish European, 1.6%; 174 homozygotes.

Submissions (12):

Labcorp Genetics (formerly Invitae), Labcorp
Classification: Benign. Last evaluated: 2026-02-04. Review status: criteria provided, single submitter. Criteria: Invitae Variant Classification Sherloc (09022015). Collection method: clinical testing. Allele origin: germline.

ARUP Laboratories, Molecular Genetics and Genomics, ARUP Laboratories
Classification: Likely benign for Cardiomyopathy, familial hypertrophic 27. Last evaluated: 2025-07-23. Review status: criteria provided, single submitter. Criteria: ARUP Molecular Germline Variant Investigation Process 2024. Collection method: clinical testing. Allele origin: germline.

Molecular Diagnostic Laboratory for Inherited Cardiovascular Disease, Montreal Heart Institute
Classification: Likely benign. Last evaluated: 2025-04-09. Review status: criteria provided, single submitter. Criteria: ACMG Guidelines, 2015. Collection method: clinical testing. Allele origin: germline. Affected: no.

Blueprint Genetics
Classification: Benign. Last evaluated: 2024-11-26. Review status: criteria provided, single submitter. Criteria: ACMG Guidelines, 2015. Collection method: clinical testing. Allele origin: germline.

Women's Health and Genetics/Laboratory Corporation of America, LabCorp
Classification: Likely benign. Last evaluated: 2023-04-09. Review status: criteria provided, single submitter. Criteria: LabCorp Variant Classification Summary - May 2015. Collection method: clinical testing. Allele origin: germline.

Mayo Clinic Laboratories, Mayo Clinic
Classification: Benign. Last evaluated: 2023-02-23. Review status: criteria provided, single submitter. Criteria: ACMG Guidelines, 2015. Collection method: clinical testing. Allele origin: germline. Observed: 24 variant alleles.
Comment: BS1, BS2, BP4

Ambry Genetics
Classification: Benign for Cardiovascular phenotype. Last evaluated: 2019-02-21. Review status: criteria provided, single submitter. Criteria: Ambry Variant Classification Scheme 2023. Collection method: clinical testing. Allele origin: germline.

GeneDx
Classification: Benign. Last evaluated: 2018-07-24. Review status: criteria provided, single submitter. Criteria: GeneDx Variant Classification Process June 2021. Collection method: clinical testing. Allele origin: germline. Affected: yes.

Breakthrough Genomics
Classification: Likely benign. Review status: criteria provided, single submitter. Criteria: ACMG Guidelines, 2015. Collection method: not provided. Allele origin: germline. Inheritance: Autosomal recessive inheritance. Affected: yes.

PreventionGenetics, part of Exact Sciences
Classification: Benign for ALPK3-related condition. Last evaluated: 2019-02-28. Review status: no assertion criteria provided. Collection method: clinical testing. Allele origin: germline. Not counted in ClinVar's aggregate classification.
Comment: This variant is classified as benign based on ACMG/AMP sequence variant interpretation guidelines (Richards et al. 2015 PMID: 25741868, with internal and published modifications).

Clinical Genetics DNA and cytogenetics Diagnostics Lab, Erasmus MC, Erasmus Medical Center
Classification: Benign. Review status: no assertion criteria provided. Collection method: clinical testing. Allele origin: germline. Affected: yes. Study: VKGL Data-share Consensus. Not counted in ClinVar's aggregate classification.

Clinical Genetics, Academic Medical Center
Classification: Benign. Review status: no assertion criteria provided. Collection method: clinical testing. Allele origin: germline. Affected: yes. Study: VKGL Data-share Consensus. Not counted in ClinVar's aggregate classification.